The following is an entry in ClinVar:

NM_000179.3(MSH6):c.3770C>A (p.Ser1257Tyr)

Gene: MSH6 (mutS homolog 6; plus strand). Cytogenetic location: 2p16.3.
Variant type: single nucleotide variant.
Coding change: c.3770C>A on transcript NM_000179.3 (MANE Select); coding-DNA position 3770, C replaced by A.
Protein change: p.Ser1257Tyr; replaces serine 1257 with tyrosine.
Molecular consequence: missense variant.
Genome position (GRCh38, 1-based): chr2:47,806,327, C>A. VCF-style: chr2-47806327-C-A. GRCh37 (hg19) VCF-style: chr2-48033466-C-A.
Other names: c.3380C>A, p.Ser1127Tyr (NM_001281492.2); c.2864C>A, p.Ser955Tyr (NM_001281493.2, NM_001281494.2); short protein forms S955Y, S1127Y, S1257Y.
Identifiers: ClinVar variation 947725 (VCV000947725.12), dbSNP rs1670062923, ClinGen allele CA346761125.

ClinVar aggregate classification (germline): Uncertain significance. Review status: criteria provided, multiple submitters, no conflicts (2 of 4 stars). 2 submissions from 2 submitters: Uncertain significance (2). Last evaluated 2022-12-08.

Conditions:
Hereditary nonpolyposis colorectal neoplasms. Identifiers: MedGen C0009405, MeSH D003123.
Hereditary cancer-predisposing syndrome. Also called: Hereditary neoplastic syndrome; Neoplastic Syndromes, Hereditary; Tumor predisposition; Hereditary Cancer Syndrome. Identifiers: Orphanet 140162, MedGen C0027672, MeSH D009386, MONDO:0015356.

Submissions (2):

Labcorp Genetics (formerly Invitae), Labcorp
Classification: Uncertain significance for Hereditary nonpolyposis colorectal neoplasms. Last evaluated: 2022-12-08. Review status: criteria provided, single submitter. Criteria: Invitae Variant Classification Sherloc (09022015). Collection method: clinical testing. Allele origin: germline.
Comment: In summary, the available evidence is currently insufficient to determine the role of this variant in disease. Therefore, it has been classified as a Variant of Uncertain Significance. Advanced modeling of protein sequence and biophysical properties (such as structural, functional, and spatial information, amino acid conservation, physicochemical variation, residue mobility, and thermodynamic stability) performed at Invitae indicates that this missense variant is not expected to disrupt MSH6 protein function. ClinVar contains an entry for this variant (Variation ID: 947725). This variant has not been reported in the literature in individuals affected with MSH6-related conditions. This variant is not present in population databases (gnomAD no frequency). This sequence change replaces serine, which is neutral and polar, with tyrosine, which is neutral and polar, at codon 1257 of the MSH6 protein (p.Ser1257Tyr).

Ambry Genetics
Classification: Uncertain significance for Hereditary cancer-predisposing syndrome. Last evaluated: 2022-06-16. Review status: criteria provided, single submitter. Criteria: Ambry Variant Classification Scheme 2023. Collection method: clinical testing. Allele origin: germline.
Comment: The p.S1257Y variant (also known as c.3770C>A), located in coding exon 8 of the MSH6 gene, results from a C to A substitution at nucleotide position 3770. The serine at codon 1257 is replaced by tyrosine, an amino acid with dissimilar properties. This amino acid position is conserved. In addition, this alteration is predicted to be deleterious by in silico analysis. Since supporting evidence is limited at this time, the clinical significance of this alteration remains unclear.